The following is an entry in ClinVar:

NC_000022.10:g.(?_29083730)_(29137809_?)del

Gene: CHEK2 (checkpoint kinase 2; minus strand). Cytogenetic location: 22q12.1.
Variant type: Deletion.
Identifiers: ClinVar variation 4847650 (VCV004847650.1).

ClinVar aggregate classification (germline): Pathogenic (1 of 4 stars; one submission).

Conditions:
Hereditary breast ovarian cancer syndrome. Also called: Breast and ovarian cancer; Hereditary breast and ovarian cancer; Hereditary breast and/or ovarian cancer syndrome; BRCA1- and BRCA2-Associated Hereditary Breast and Ovarian Cancer; Hereditary breast and ovarian cancer syndrome; Hereditary breast and ovarian cancer syndrome (HBOC). Identifiers: Orphanet 145, MedGen C0677776, MeSH D061325, MONDO:0003582. Disease mechanism: loss of function.

Submission:

Women's Health and Genetics/Laboratory Corporation of America, LabCorp
Classification: Pathogenic for Hereditary breast ovarian cancer syndrome. Last evaluated: 2026-03-27. Review status: criteria provided, single submitter. Criteria: LabCorp Variant Classification Summary - May 2015. Collection method: clinical testing. Allele origin: germline.
Comment: Variant summary: The variant involves the deletion of exons 1-15 in the CHEK2 gene. A presumed nomenclature of c.(?_-59)_(*155_?)del has been designated for the purposes of this classification. This deletion includes the entire coding sequence of the gene. As the exact proximal and distal breakpoints are unknown, it may extend beyond the annotated region of the gene to include other flanking genes. Loss-of-function variants in this gene are known to be pathogenic. The copy number loss was absent in 21688 control chromosomes. A CHEK2 whole gene deletion has been observed in the heterozygous state in at least 1 individual(s) affected with Hereditary Breast And Ovarian Cancer Syndrome (example, Vargas-Parra_2020). The following publication has been ascertained in the context of this evaluation (PMID: 32906215). ClinVar contains an entry for this variant (Variation ID: 417812). Based on the evidence outlined above, the variant was classified as pathogenic.

Literature cited by the submitters: PubMed 30580288; PubMed 32906215.